The following is an entry in ClinVar:

NM_001291415.2(KDM6A):c.3907T>A (p.Leu1303Met)

Gene: KDM6A (lysine demethylase 6A; plus strand). Cytogenetic location: Xp11.3.
Variant type: single nucleotide variant.
Coding change: c.3907T>A on transcript NM_001291415.2 (MANE Select); coding-DNA position 3907, T replaced by A.
Protein change: p.Leu1303Met; replaces leucine 1303 with methionine.
Molecular consequence: missense variant. On other transcripts: non-coding transcript variant (1).
Genome position (GRCh38, 1-based): chrX:45,090,737, T>A. VCF-style: chrX-45090737-T-A. GRCh37 (hg19) VCF-style: chrX-44949982-T-A.
Other names: c.3772T>A, p.Leu1258Met (NM_001291416.2, NM_001419811.1); c.3616T>A, p.Leu1206Met (NM_001291417.2); c.3514T>A, p.Leu1172Met (NM_001291418.2, NM_001419815.1); c.2863T>A, p.Leu955Met (NM_001291421.2); c.3649T>A, p.Leu1217Met (NM_001410742.1, NM_001419814.1); c.3907T>A, p.Leu1303Met (NM_001419809.1); c.3805T>A, p.Leu1269Met (NM_001419810.1, NM_001419813.1); c.3751T>A, p.Leu1251Met (NM_001419812.1, NM_021140.4); and 1 more; short protein forms L1258M, L955M, L1172M, L1251M, L1206M, L1303M, L1217M, L1269M.
Identifiers: ClinVar variation 3009059 (VCV003009059.5), dbSNP rs751482993, ClinGen allele CA10392746.

ClinVar aggregate classification (germline): Uncertain significance. Review status: criteria provided, multiple submitters, no conflicts (2 of 4 stars). 3 submissions from 3 submitters: Uncertain significance (3). Last evaluated 2025-03-11.

Conditions:
Inborn genetic diseases. Identifiers: MedGen C0950123, MeSH D030342.
Kabuki syndrome 2 (KABUK2). Also called: KDM6A-Related Kabuki Syndrome. Identifiers: Orphanet 2322, MedGen C3275495, MONDO:0010465, OMIM 300867.

Allele frequency attached by ClinVar (database versions not stated): ExAC 0.00001.
gnomAD v4.1: 1 of 1,209,747 alleles (0.000083%); highest among the groups gnomAD compares: Admixed American, 0.0022%; no homozygotes.

Submissions (3):

GeneDx
Classification: Uncertain significance. Last evaluated: 2025-03-11. Review status: criteria provided, single submitter. Criteria: GeneDx Variant Classification Process June 2021. Collection method: clinical testing. Allele origin: germline. Affected: yes.
Comment: In silico analysis indicates that this missense variant does not alter protein structure/function; Has not been previously published as pathogenic or benign to our knowledge

Ambry Genetics
Classification: Uncertain significance for Inborn genetic diseases. Last evaluated: 2024-06-16. Review status: criteria provided, single submitter. Criteria: Ambry Variant Classification Scheme 2023. Collection method: clinical testing. Allele origin: germline.

Labcorp Genetics (formerly Invitae), Labcorp
Classification: Uncertain significance for Kabuki syndrome 2. Last evaluated: 2023-10-09. Review status: criteria provided, single submitter. Criteria: Invitae Variant Classification Sherloc (09022015). Collection method: clinical testing. Allele origin: germline.
Comment: This sequence change replaces leucine, which is neutral and non-polar, with methionine, which is neutral and non-polar, at codon 1251 of the KDM6A protein (p.Leu1251Met). This variant is present in population databases (rs751482993, gnomAD 0.004%). This variant has not been reported in the literature in individuals affected with KDM6A-related conditions. Advanced modeling of protein sequence and biophysical properties (such as structural, functional, and spatial information, amino acid conservation, physicochemical variation, residue mobility, and thermodynamic stability) has been performed at Invitae for this missense variant, however the output from this modeling did not meet the statistical confidence thresholds required to predict the impact of this variant on KDM6A protein function. In summary, the available evidence is currently insufficient to determine the role of this variant in disease. Therefore, it has been classified as a Variant of Uncertain Significance.